The following is an entry in ClinVar:

ClinVar aggregate classification (germline): Uncertain significance (3 of 4 stars; one submission).

Conditions:
CYP1B1-related glaucoma with or without anterior segment dysgenesis. Identifiers: MedGen CN375931, MONDO:0800472.

gnomAD v4.1: 1 of 1,609,592 alleles (0.000062%); highest among the groups gnomAD compares: Non-Finnish European, 0.000085%; no homozygotes.

Submission:

ClinGen Glaucoma Variant Curation Expert Panel
Classification: Uncertain significance for CYP1B1-related glaucoma with or without anterior segment dysgenesis. Last evaluated: 2025-11-19. Review status: reviewed by expert panel. Criteria: ClinGen CYP1B1 ACMG Specifications V1 Approved. Collection method: curation. Allele origin: germline. Inheritance: Autosomal recessive inheritance.
Comment: The c.875T>A variant in CYP1B1 is a missense variant predicted to cause substitution of Methionine by Lysine at amino acid 292 (p.Met292Lys). The highest minor allele frequency of this variant was in the European (non-Finnish) genetic ancestry group of gnomAD (v4.1.0) = 0.0000008487 (1 allele out of 1,178,306), which met the ≤ 0.0005 threshold set for PM2_Supporting in a genetic ancestry group of at least 2,000 alleles. The REVEL score = 0.702, which was within the 0.644-0.772 range for PP3, predicting a damaging effect on CYP1B1 function. PS3_Supporting was not applied as the assay reported did not meet the OddsPath threshold (> 2.1) or the threshold for abnormal impact on protein function in the assay could not be determined (PMID: 27243976). This variant has been identified in an individual with a CYP1B1-related phenotype (PMID: 17563717). This individual is compound heterozygous for the variant and a variant of uncertain significance (phase unknown = 0 proband points), not meeting PM3_Supporting. In summary, this variant met the criteria to receive a score of 2 and to be classified as a variant of uncertain significance (uncertain significance classification range -1 to 5, adapted from PMID: 32720330) for CYP1B1-related glaucoma with or without anterior segment dysgenesis (ASD) based on the ACMG/AMP criteria met, as specified by the ClinGen Glaucoma VCEP (v1.0, 06.11.2025): PP3, PM2_Supporting.

NM_000104.4(CYP1B1):c.875T>A (p.Met292Lys)

Gene: CYP1B1 (cytochrome P450 family 1 subfamily B member 1; minus strand). Cytogenetic location: 2p22.2.
Variant type: single nucleotide variant.
Coding change: c.875T>A on transcript NM_000104.4 (MANE Select); coding-DNA position 875, T replaced by A.
Protein change: p.Met292Lys; replaces methionine 292 with lysine.
Molecular consequence: missense variant.
Genome position (GRCh38, 1-based): chr2:38,074,514, A>T on the plus strand (T>A on the coding strand, the complement: CYP1B1 is on the minus strand). VCF-style: chr2-38074514-A-T. GRCh37 (hg19) VCF-style: chr2-38301657-A-T.
Other names: NM_000104.4:c.875T>A; short protein forms M292K.
Identifiers: ClinVar variation 4530668 (VCV004530668.1).